The following is an entry in ClinVar:

NM_001195305.3(BBIP1):c.112+1G>T

Gene: BBIP1 (BBSome interacting protein 1; minus strand). Cytogenetic location: 10q25.2.
Variant type: single nucleotide variant.
Coding change: c.112+1G>T on transcript NM_001195305.3 (MANE Select); the canonical splice donor site of the intron after coding-DNA position 112, G replaced by T.
Molecular consequence: splice donor variant. On other transcripts: intron variant (1).
Genome position (GRCh38, 1-based): chr10:110,901,537, C>A on the plus strand (G>T on the coding strand, the complement: BBIP1 is on the minus strand). VCF-style: chr10-110901537-C-A. GRCh37 (hg19) VCF-style: chr10-112661295-C-A.
Other names: c.112+1G>T (NM_001195306.2); c.46+1G>T (NM_001243783.3); c.38-1011G>T (NM_001195307.2); c.269+1G>T (NM_001195304.2).
Identifiers: ClinVar variation 1058394 (VCV001058394.7), dbSNP rs1362212682, ClinGen allele CA378389357.

ClinVar aggregate classification (germline): Uncertain significance (1 of 4 stars; one submission).

Allele frequency attached by ClinVar (database versions not stated): TOPMed below 0.00001; gnomAD 0.00001.
gnomAD v4.1: 2 of 1,529,534 alleles (0.00013%); highest among the groups gnomAD compares: Non-Finnish European, 0.00018%; no homozygotes.

Submission:

Labcorp Genetics (formerly Invitae), Labcorp
Classification: Uncertain significance. Last evaluated: 2021-07-26. Review status: criteria provided, single submitter. Criteria: Invitae Variant Classification Sherloc (09022015). Collection method: clinical testing. Allele origin: germline.
Comment: This sequence change affects a donor splice site in intron 3 of the BBIP1 gene. It is expected to disrupt RNA splicing and likely results in an absent or disrupted protein product. In summary, the available evidence is currently insufficient to determine the role of this variant in disease. Therefore, it has been classified as a Variant of Uncertain Significance. The current clinical and genetic evidence is not sufficient to establish whether loss-of-function variants in BBIP1 cause disease. Algorithms developed to predict the effect of sequence changes on RNA splicing suggest that this variant may disrupt the consensus splice site, but this prediction has not been confirmed by published transcriptional studies. This variant has not been reported in the literature in individuals with BBIP1-related conditions. The frequency data for this variant in the population databases is considered unreliable, as metrics indicate insufficient coverage at this position in the ExAC database.